The following is an entry in ClinVar:

ClinVar aggregate classification (germline): Likely pathogenic (1 of 4 stars; one submission).

Conditions:
Dilated cardiomyopathy 1G (CMD1G). Identifiers: Orphanet 154, MedGen C1858763, MONDO:0011400, OMIM 604145.
Autosomal recessive limb-girdle muscular dystrophy type 2J (LGMDR10). Also called: Limb-girdle muscular dystrophy, type 2J; MUSCULAR DYSTROPHY, LIMB-GIRDLE, AUTOSOMAL RECESSIVE 10. Identifiers: Orphanet 140922, MedGen C1837342, MONDO:0012127, OMIM 608807.

Submission:

Labcorp Genetics (formerly Invitae), Labcorp
Classification: Likely pathogenic for Dilated cardiomyopathy 1G; Autosomal recessive limb-girdle muscular dystrophy type 2J. Last evaluated: 2021-10-20. Review status: criteria provided, single submitter. Criteria: Invitae Variant Classification Sherloc (09022015). Collection method: clinical testing. Allele origin: germline.
Comment: This variant is located in the A band of TTN (PMID: 25589632). Truncating variants in this region are significantly overrepresented in patients affected with dilated cardiomyopathy (PMID: 25589632). Truncating variants in this region have also been reported in individuals affected with autosomal recessive centronuclear myopathy (PMID: 23975875). In summary, the currently available evidence indicates that the variant is pathogenic, but additional data are needed to prove that conclusively. Therefore, this variant has been classified as Likely Pathogenic. This variant has not been reported in the literature in individuals affected with TTN-related conditions. This variant is not present in population databases (gnomAD no frequency). This sequence change creates a premature translational stop signal (p.Thr19345Leufs*5) in the TTN gene. While this is not anticipated to result in nonsense mediated decay, it is expected to create a truncated TTN protein.

Literature cited by the submitters: PubMed 25589632; PubMed 23975875.

NM_001267550.2(TTN):c.58033del (p.Thr19345fs)

Genes: TTN (titin; minus strand), TTN-AS1 (TTN antisense RNA 1; plus strand). Cytogenetic location: 2q31.2.
Variant type: Deletion.
Coding change: c.58033del on transcript NM_001267550.2 (MANE Select); coding-DNA position 58033, one base deleted (A; older notation c.58033delA).
Protein change: p.Thr19345fs; shifts the reading frame from threonine 19345.
Molecular consequence: frameshift variant.
Genome position (GRCh38, 1-based): chr2:178,594,461, T deleted on the plus strand (A on the coding strand, the reverse complement: TTN is on the minus strand). VCF-style (leftmost placement, unchanged base first): chr2-178594460-GT-G. GRCh37 (hg19) VCF-style: chr2-179459187-GT-G.
Other names: c.53110del, p.Thr17704fs (NM_001256850.1); c.30838del, p.Thr10280fs (NM_003319.4); c.50329del, p.Thr16777fs (NM_133378.4); c.31213del, p.Thr10405fs (NM_133432.3); c.31414del, p.Thr10472fs (NM_133437.4); short protein forms T16777fs, T19345fs, T10472fs, T10405fs, T10280fs, T17704fs.
Identifiers: ClinVar variation 1511912 (VCV001511912.6), dbSNP rs2154187247, ClinGen allele CA2573133807.